The following is an entry in ClinVar:

ClinVar aggregate classification (germline): Uncertain significance (1 of 4 stars; one submission).

Submission:

Labcorp Genetics (formerly Invitae), Labcorp
Classification: Uncertain significance. Last evaluated: 2022-07-02. Review status: criteria provided, single submitter. Criteria: Invitae Variant Classification Sherloc (09022015). Collection method: clinical testing. Allele origin: germline.
Comment: This sequence change replaces proline, which is neutral and non-polar, with leucine, which is neutral and non-polar, at codon 461 of the COL11A1 protein (p.Pro461Leu). This variant is not present in population databases (gnomAD no frequency). This variant has not been reported in the literature in individuals affected with COL11A1-related conditions. Advanced modeling of protein sequence and biophysical properties (such as structural, functional, and spatial information, amino acid conservation, physicochemical variation, residue mobility, and thermodynamic stability) performed at Invitae indicates that this missense variant is not expected to disrupt COL11A1 protein function. In summary, the available evidence is currently insufficient to determine the role of this variant in disease. Therefore, it has been classified as a Variant of Uncertain Significance.

NM_001854.4(COL11A1):c.1382C>T (p.Pro461Leu)

Gene: COL11A1 (collagen type XI alpha 1 chain; minus strand). Cytogenetic location: 1p21.1.
Variant type: single nucleotide variant.
Coding change: c.1382C>T on transcript NM_001854.4 (MANE Select); coding-DNA position 1382, C replaced by T.
Protein change: p.Pro461Leu; replaces proline 461 with leucine.
Molecular consequence: missense variant. On other transcripts: non-coding transcript variant (1).
Genome position (GRCh38, 1-based): chr1:103,017,851, G>A on the plus strand (C>T on the coding strand, the complement: COL11A1 is on the minus strand). VCF-style: chr1-103017851-G-A. GRCh37 (hg19) VCF-style: chr1-103483407-G-A.
Other names: c.1034C>T, p.Pro345Leu (NM_001168249.1, NM_080630.4); c.1265C>T, p.Pro422Leu (NM_001190709.2); c.1418C>T, p.Pro473Leu (NM_080629.3); short protein forms P422L, P461L, P345L, P473L.
Identifiers: ClinVar variation 2013307 (VCV002013307.4), dbSNP rs2525523914, ClinGen allele CA341179669.
Genomic context (GRCh38, chr1:103,017,851, plus strand): 5'-GTAATGAGATATCATGTCCATTCACTTACCCTATCGCCAGGGTCACCAGGGGGTCCAGTG[G>A]GGCCTTGTAGACCTGGAGGACCCATAATACCCTATAGAGAAACACACCATATCTTAATCA-3'
Protein context (NP_001845.3, residues 451-471): GIMGPPGLQG[Pro461Leu]TGPPGDPGDR